The following is an entry in ClinVar:

NM_207346.3(TSEN54):c.767G>A (p.Gly256Asp)

Gene: TSEN54 (tRNA splicing endonuclease subunit 54; plus strand). Cytogenetic location: 17q25.1.
Variant type: single nucleotide variant.
Coding change: c.767G>A on transcript NM_207346.3 (MANE Select); coding-DNA position 767, G replaced by A.
Protein change: p.Gly256Asp; replaces glycine 256 with aspartic acid.
Molecular consequence: missense variant.
Genome position (GRCh38, 1-based): chr17:75,521,848, G>A. VCF-style: chr17-75521848-G-A. GRCh37 (hg19) VCF-style: chr17-73517929-G-A.
Other names: short protein forms G256D.
Identifiers: ClinVar variation 325087 (VCV000325087.19), dbSNP rs200683263, ClinGen allele CA8764264.
Genomic context (GRCh38, chr17:75,521,848, plus strand): 5'-AGCCCAGCCAATGCCCAGAGGAGAAACCCCAGGAGTCAAGCCCCATGAAGGGCCCAGGGG[G>A]CCCCTTTCAGCTTCTGGGGTCCCTGGGCCCCAGCCCTGGCCCGGCCAGGGAGGGGGTGGG-3'
Protein context (NP_997229.2, residues 246-266): QESSPMKGPG[Gly256Asp]PFQLLGSLGP

ClinVar aggregate classification (germline): Benign/Likely benign. Review status: criteria provided, multiple submitters, no conflicts (2 of 4 stars). 4 submissions from 4 submitters: Benign (1); Likely benign (2). 1 of the submissions does not count toward it. Last evaluated 2026-01-18.

Conditions:
Pontoneocerebellar hypoplasia. Also called: Pontocerebellar hypoplasia; Non-syndromic pontocerebellar hypoplasia. Identifiers: Orphanet 98523, MedGen C1261175, MONDO:0020135.
TSEN54-related disorder. Also called: TSEN54-related condition.

Allele frequency attached by ClinVar (database versions not stated): gnomAD exomes 0.00022 and 0.00067; gnomAD 0.00061; TOPMed 0.00072; ExAC 0.00079; 1000 Genomes Project 30x 0.00109; 1000 Genomes Project 0.00120.

Submissions (4):

Labcorp Genetics (formerly Invitae), Labcorp
Classification: Benign. Last evaluated: 2026-01-18. Review status: criteria provided, single submitter. Criteria: Invitae Variant Classification Sherloc (09022015). Collection method: clinical testing. Allele origin: germline.

GeneDx
Classification: Likely benign. Last evaluated: 2020-04-23. Review status: criteria provided, single submitter. Criteria: GeneDx Variant Classification Process June 2021. Collection method: clinical testing. Allele origin: germline. Affected: yes.

Illumina Laboratory Services, Illumina
Classification: Likely benign for Pontoneocerebellar hypoplasia. Last evaluated: 2018-01-13. Review status: criteria provided, single submitter. Criteria: ICSL Variant Classification Criteria 13 December 2019. Collection method: clinical testing. Allele origin: germline.
Comment: This variant was observed in the ICSL laboratory as part of a predisposition screen in an ostensibly healthy population. It had not been previously curated by ICSL or reported in the Human Gene Mutation Database (HGMD: prior to June 1st, 2018), and was therefore a candidate for classification through an automated scoring system. Utilizing variant allele frequency, disease prevalence and penetrance estimates, and inheritance mode, an automated score was calculated to assess if this variant is too frequent to cause the disease. Based on the score and internal cut-off values, a variant classified as likely benign is not then subjected to further curation. The score for this variant resulted in a classification of likely benign for this disease.

PreventionGenetics, part of Exact Sciences
Classification: Benign for TSEN54-related condition. Last evaluated: 2019-02-28. Review status: no assertion criteria provided. Collection method: clinical testing. Allele origin: germline. Not counted in ClinVar's aggregate classification.
Comment: This variant is classified as benign based on ACMG/AMP sequence variant interpretation guidelines (Richards et al. 2015 PMID: 25741868, with internal and published modifications).